The following is an entry in ClinVar:

ClinVar aggregate classification (germline): Pathogenic. Review status: criteria provided, multiple submitters, no conflicts (2 of 4 stars). 2 submissions from 2 submitters: Pathogenic (2). Last evaluated 2025-03-05.

Conditions:
Retinoblastoma (RB1). Also called: RETINOBLASTOMA, SOMATIC. Identifiers: Orphanet 790, MedGen C0035335, MeSH D012175, MONDO:0008380, OMIM 180200, HP:0009919. Disease mechanism: loss of function. Inheritance: Both sporadic and heritable forms are tested..

Submissions (2):

GeneDx
Classification: Pathogenic. Last evaluated: 2025-03-05. Review status: criteria provided, single submitter. Criteria: GeneDx Variant Classification Process June 2021. Collection method: clinical testing. Allele origin: germline. Affected: yes.
Comment: Frameshift variant predicted to result in protein truncation or nonsense mediated decay in a gene for which loss of function is a known mechanism of disease; Not observed at significant frequency in large population cohorts (gnomAD); This variant is associated with the following publications: (PMID: 34301788)

St. Jude Molecular Pathology, St. Jude Children's Research Hospital
Classification: Pathogenic for Retinoblastoma. Last evaluated: 2016-08-05. Review status: criteria provided, single submitter. Criteria: ACMG Guidelines, 2015. Collection method: clinical testing. Allele origin: germline. Affected: yes.
Comment: This is a frameshift alteration in which an A is duplicated at coding position 92 and is predicted to change an Aspartic Acid to a Glycine at codon 32, shift the reading frame and result in a premature stop codon 17 amino acids downstream.

NM_000321.3(RB1):c.92dup (p.Asp32fs)

Gene: RB1 (RB transcriptional corepressor 1; plus strand). Cytogenetic location: 13q14.2.
Variant type: Duplication.
Coding change: c.92dup on transcript NM_000321.3 (MANE Select); coding-DNA position 92, one base duplicated (A; older notation c.92dupA).
Protein change: p.Asp32fs; shifts the reading frame from aspartic acid 32.
Molecular consequence: frameshift variant.
Genome position (GRCh38, 1-based): chr13:48,304,004, A duplicated. VCF-style (leftmost placement, unchanged base first): chr13-48304003-G-GA. GRCh37 (hg19) VCF-style: chr13-48878139-G-GA.
Other names: c.92dup (NM_000321.2); c.92dupA (NM_000321.2); short protein forms D32fs.
Identifiers: ClinVar variation 590845 (VCV000590845.4), dbSNP rs1566174147, ClinGen allele CA891863068.